The following is an entry in ClinVar:

ClinVar aggregate classification (germline): Uncertain significance (1 of 4 stars; one submission).

Submission:

Labcorp Genetics (formerly Invitae), Labcorp
Classification: Uncertain significance. Last evaluated: 2022-07-19. Review status: criteria provided, single submitter. Criteria: Invitae Variant Classification Sherloc (09022015). Collection method: clinical testing. Allele origin: germline.
Comment: Algorithms developed to predict the effect of sequence changes on RNA splicing suggest that this variant may create or strengthen a splice site. This variant has not been reported in the literature in individuals affected with CDH3-related conditions. This variant is not present in population databases (gnomAD no frequency). This sequence change affects codon 556 of the CDH3 mRNA. It is a 'silent' change, meaning that it does not change the encoded amino acid sequence of the CDH3 protein. In summary, the available evidence is currently insufficient to determine the role of this variant in disease. Therefore, it has been classified as a Variant of Uncertain Significance.

NM_001793.6(CDH3):c.1668C>T (p.Cys556=)

Gene: CDH3 (cadherin 3; plus strand). Cytogenetic location: 16q22.1.
Variant type: single nucleotide variant.
Coding change: c.1668C>T on transcript NM_001793.6 (MANE Select); coding-DNA position 1668, C replaced by T.
Protein change: p.Cys556=; no amino-acid change (cysteine 556 retained).
Molecular consequence: synonymous variant.
Genome position (GRCh38, 1-based): chr16:68,687,609, C>T. VCF-style: chr16-68687609-C-T. GRCh37 (hg19) VCF-style: chr16-68721512-C-T.
Other names: c.1668C>T, p.Cys556= (NM_001317195.3); c.1503C>T, p.Cys501= (NM_001317196.2).
Identifiers: ClinVar variation 2018191 (VCV002018191.4), dbSNP rs2543751253, ClinGen allele CA496156942.